The following is an entry in ClinVar:

NM_020320.5(RARS2):c.1123G>A (p.Val375Met)

Gene: RARS2 (arginyl-tRNA synthetase 2, mitochondrial; minus strand). Cytogenetic location: 6q15.
Variant type: single nucleotide variant.
Coding change: c.1123G>A on transcript NM_020320.5 (MANE Select); coding-DNA position 1123, G replaced by A.
Protein change: p.Val375Met; replaces valine 375 with methionine.
Molecular consequence: missense variant. On other transcripts: non-coding transcript variant (23).
Genome position (GRCh38, 1-based): chr6:87,519,697, C>T on the plus strand (G>A on the coding strand, the complement: RARS2 is on the minus strand). VCF-style: chr6-87519697-C-T. GRCh37 (hg19) VCF-style: chr6-88229415-C-T.
Other names: c.598G>A, p.Val200Met (NM_001318785.2, NM_001350506.2, NM_001350507.2 and 4 more transcripts); c.1123G>A, p.Val375Met (NM_001350505.2); short protein forms V200M, V375M.
Identifiers: ClinVar variation 2057229 (VCV002057229.1), dbSNP rs746831967, ClinGen allele CA3916378.
Genomic context (GRCh38, chr6:87,519,697, plus strand): 5'-CTTCCAGGAAAGTGACATCTCCTCTTCGAGTCTTCATTCCCTGTACTACTCCAAAGGGCA[C>T]GTGCTGGCACCTAAAAGAGTGGGCATCTAGTTAACTGAAAGCTAAACAAGAGCTGCTGCT-3'
Protein context (NP_064716.2, residues 365-385): GYDWAERCQH[Val375Met]PFGVVQGMKT

ClinVar aggregate classification (germline): Uncertain significance (1 of 4 stars; one submission).

Allele frequency attached by ClinVar (database versions not stated): gnomAD 0.00005; TOPMed 0.00008; ExAC 0.00016.
gnomAD v4.1: 202 of 1,613,876 alleles (0.013%); highest among the groups gnomAD compares: South Asian, 0.025%; no homozygotes.

Submission:

Labcorp Genetics (formerly Invitae), Labcorp
Classification: Uncertain significance. Last evaluated: 2022-03-11. Review status: criteria provided, single submitter. Criteria: Invitae Variant Classification Sherloc (09022015). Collection method: clinical testing. Allele origin: germline.
Comment: This sequence change replaces valine, which is neutral and non-polar, with methionine, which is neutral and non-polar, at codon 375 of the RARS2 protein (p.Val375Met). This variant is present in population databases (rs746831967, gnomAD 0.04%). This missense change has been observed in individual(s) with clinical features of RARS2-related conditions (PMID: 31130284). Advanced modeling of protein sequence and biophysical properties (such as structural, functional, and spatial information, amino acid conservation, physicochemical variation, residue mobility, and thermodynamic stability) performed at Invitae indicates that this missense variant is expected to disrupt RARS2 protein function. In summary, the available evidence is currently insufficient to determine the role of this variant in disease. Therefore, it has been classified as a Variant of Uncertain Significance.

Literature cited by the submitters: PubMed 31130284.